The following is an entry in ClinVar:

NM_032108.4(SEMA6B):c.365A>G (p.Gln122Arg)

Genes: SEMA6B (semaphorin 6B; minus strand), LOC121627850 (Sharpr-MPRA regulatory region 7851; plus strand). Cytogenetic location: 19p13.3.
Variant type: single nucleotide variant.
Coding change: c.365A>G on transcript NM_032108.4 (MANE Select); coding-DNA position 365, A replaced by G.
Protein change: p.Gln122Arg; replaces glutamine 122 with arginine.
Molecular consequence: missense variant.
Genome position (GRCh38, 1-based): chr19:4,556,955, T>C on the plus strand (A>G on the coding strand, the complement: SEMA6B is on the minus strand). VCF-style: chr19-4556955-T-C. GRCh37 (hg19) VCF-style: chr19-4556967-T-C.
Other names: short protein forms Q122R.
Identifiers: ClinVar variation 3364570 (VCV003364570.1).

ClinVar aggregate classification (germline): Uncertain significance (1 of 4 stars; one submission).

gnomAD v4.1: 6 of 1,612,964 alleles (0.00037%); highest among the groups gnomAD compares: Non-Finnish European, 0.00051%; no homozygotes.

Submission:

GeneDx
Classification: Uncertain significance. Last evaluated: 2023-11-18. Review status: criteria provided, single submitter. Criteria: GeneDx Variant Classification Process June 2021. Collection method: clinical testing. Allele origin: germline. Affected: yes.
Comment: Not observed at significant frequency in large population cohorts (gnomAD); In silico analysis supports that this missense variant does not alter protein structure/function; Has not been previously published as pathogenic or benign to our knowledge